The following is an entry in ClinVar:

NM_018129.4(PNPO):c.364-1G>A

Gene: PNPO (pyridoxamine 5'-phosphate oxidase; plus strand). Cytogenetic location: 17q21.32.
Variant type: single nucleotide variant.
Coding change: c.364-1G>A on transcript NM_018129.4 (MANE Select); the canonical splice acceptor site of the intron before coding-DNA position 364, G replaced by A.
Molecular consequence: splice acceptor variant.
Genome position (GRCh38, 1-based): chr17:47,945,558, G>A. VCF-style: chr17-47945558-G-A. GRCh37 (hg19) VCF-style: chr17-46022924-G-A.
Other names: IVS3, G-A, -1.
Identifiers: ClinVar variation 6524 (VCV000006524.5), dbSNP rs774710082, ClinGen allele CA354156.

ClinVar aggregate classification (germline): Pathogenic. Review status: criteria provided, multiple submitters, no conflicts (2 of 4 stars). 4 submissions from 4 submitters: Pathogenic (3). 1 of the submissions does not count toward it. Last evaluated 2025-11-19.

Conditions:
PNPO-related disorder. Also called: PNPO-related condition; PNPO-related disorders.
Pyridoxal phosphate-responsive seizures (PNPOD). Also called: Pyridoxine-5'-phosphate oxidase deficiency; SEIZURES, PYRIDOXINE-RESISTANT, PLP-SENSITIVE; Pyridoxamine 5-Prime-Phosphate Oxidase Deficiency; Pyridoxal 5'-Phosphate (PLP)-Dependent Epilepsy; EPILEPTIC ENCEPHALOPATHY, NEONATAL, PNPO-RELATED. Identifiers: Orphanet 79096, MedGen C1864723, MONDO:0012407, OMIM 610090. Disease mechanism: loss of function.

Allele frequency attached by ClinVar (database versions not stated): gnomAD exomes 0.00001 and 0.00002; ExAC 0.00002.

Submissions (4):

PreventionGenetics, part of Exact Sciences
Classification: Pathogenic for PNPO-related condition. Last evaluated: 2025-11-19. Review status: criteria provided, single submitter. Criteria: ACMG Guidelines, 2015. Collection method: clinical testing. Allele origin: germline.
Comment: The PNPO c.364-1G>A variant is predicted to disrupt the AG splice acceptor site and interfere with normal splicing. This variant has been reported in the homozygous or compound heterozygous state in three patients with neonatal epileptic encephalopathy (described as IVS3-1G>A, Mills et al. 2005. PubMed ID: 15772097; Mills et al. 2014. PubMed ID: 24645144). Analysis of patient fibroblasts showed this variant resulted in aberrant splicing with loss of exon 4 (Mills et al. 2005. PubMed ID: 15772097). This variant is reported in 0.0098% of alleles in individuals of South Asian descent in gnomAD. Variants that disrupt the consensus splice acceptor site in PNPO are expected to be pathogenic. This variant is interpreted as pathogenic.

Dubai Health Genomic Medicine Center, Dubai Health
Classification: Pathogenic for Pyridoxal phosphate-responsive seizures. Last evaluated: 2020-02-02. Review status: criteria provided, single submitter. Criteria: ACMG Guidelines, 2015. Collection method: clinical testing. Allele origin: germline. Affected: yes.
Comment: The c.364-1G>A variant in PNPO has been previously reported in the homozygous state in a patient with neonatal epileptic encephelopathy (Mills2005PMID: 15772097). It has also been observed in 3/30616 (0.01% 0 homozygotes) South Asian alleles in the Genome Aggreagtion Database (gnomAD). This variant occurs in the invariant region (+/- 1/2) of the splice consensus sequence and has been shown to cause altered splicing and exon skipping in patient derived fibroblasts (Mills 2005). In summary this variant meets our criteria to be classified as pathogenic.

Neuberg Centre For Genomic Medicine, NCGM
Classification: Pathogenic for Pyridoxal phosphate-responsive seizures. Review status: criteria provided, single submitter. Criteria: ACMG Guidelines, 2015. Collection method: clinical testing. Allele origin: germline. Affected: yes.
Comment: The splice acceptor variant c.364-1G>A in PNPO gene has been reported in homozygous state in individuals affected with neonatal epileptic encephelopathy (Mills et al., 2005). The variant is reported with the allele frequency (0.001%) in the gnomAD Exomes and is novel (not in any individuals) in 1000 Genomes. This variant has been reported to the ClinVar database as Pathogenic. The nucleotide change in PNPO is predicted as conserved by GERP++ and PhyloP across 100 vertebrates. This variant occurs in the invariant region (+/- 1/2) of the splice consensus sequence and has been shown to cause altered splicing and exon skipping in patient derived fibroblasts (Mills 2005). For these reasons, this variant has been classified as Pathogenic.

OMIM
Classification: Pathogenic for PYRIDOXAMINE 5-PRIME-PHOSPHATE OXIDASE DEFICIENCY. Last evaluated: 2005-04-15. Review status: no assertion criteria provided. Collection method: literature only. Allele origin: germline. Not counted in ClinVar's aggregate classification.

Literature cited by the submitters: PubMed 15772097 (cited by OMIM).